The following is an entry in ClinVar:

ClinVar aggregate classification (germline): Uncertain significance (1 of 4 stars; one submission).

Allele frequency attached by ClinVar (database versions not stated): gnomAD exomes below 0.00001.
gnomAD v4.1: 1 of 1,211,804 alleles (0.000083%); highest among the groups gnomAD compares: Non-Finnish European, 0.00011%; no homozygotes.

Submission:

Labcorp Genetics (formerly Invitae), Labcorp
Classification: Uncertain significance. Last evaluated: 2023-09-29. Review status: criteria provided, single submitter. Criteria: Invitae Variant Classification Sherloc (09022015). Collection method: clinical testing. Allele origin: germline.
Comment: In summary, the available evidence is currently insufficient to determine the role of this variant in disease. Therefore, it has been classified as a Variant of Uncertain Significance. Advanced modeling of protein sequence and biophysical properties (such as structural, functional, and spatial information, amino acid conservation, physicochemical variation, residue mobility, and thermodynamic stability) has been performed at Invitae for this missense variant, however the output from this modeling did not meet the statistical confidence thresholds required to predict the impact of this variant on COL4A6 protein function. This variant has not been reported in the literature in individuals affected with COL4A6-related conditions. This variant is not present in population databases (gnomAD no frequency). This sequence change replaces tyrosine, which is neutral and polar, with histidine, which is basic and polar, at codon 1468 of the COL4A6 protein (p.Tyr1468His).

NM_033641.4(COL4A6):c.4399T>C (p.Tyr1467His)

Gene: COL4A6 (collagen type IV alpha 6 chain; minus strand). Cytogenetic location: Xq22.3.
Variant type: single nucleotide variant.
Coding change: c.4399T>C on transcript NM_033641.4 (MANE Select); coding-DNA position 4399, T replaced by C.
Protein change: p.Tyr1467His; replaces tyrosine 1467 with histidine.
Molecular consequence: missense variant.
Genome position (GRCh38, 1-based): chrX:108,160,589, A>G on the plus strand (T>C on the coding strand, the complement: COL4A6 is on the minus strand). VCF-style: chrX-108160589-A-G. GRCh37 (hg19) VCF-style: chrX-107403819-A-G.
Other names: c.4450T>C, p.Tyr1484His (NM_001287758.2); c.4327T>C, p.Tyr1443His (NM_001287759.2); c.4228T>C, p.Tyr1410His (NM_001287760.2); c.4402T>C, p.Tyr1468His (NM_001847.4); short protein forms Y1410H, Y1468H, Y1443H, Y1467H, Y1484H.
Identifiers: ClinVar variation 2764428 (VCV002764428.3), dbSNP rs2521671256, ClinGen allele CA413850674.